The following is an entry in ClinVar:

ClinVar aggregate classification (germline): not provided (0 of 4 stars; one submission).

Conditions:
Severe myoclonic epilepsy in infancy (DRVT). Also called: SEVERE MYOCLONIC EPILEPSY OF INFANCY; DEVELOPMENTAL AND EPILEPTIC ENCEPHALOPATHY 6A; Severe Myoclonic Epilepsy in Infancy (SMEI); Dravet syndrome; Epileptic encephalopathy, early infantile, 6 (Dravet syndrome). Identifiers: Orphanet 33069, MedGen C0751122, MONDO:0100135, OMIM 607208.

Submission:

UniProtKB/Swiss-Prot
No classification provided. Condition: Severe myoclonic epilepsy in infancy. Review status: no classification provided. Collection method: not provided. Allele origin: germline.
Comment: Intractable childhood epilepsy with generalized tonic-clonic seizures

NM_001165963.4(SCN1A):c.2422A>T (p.Thr808Ser)

Gene: SCN1A (sodium voltage-gated channel alpha subunit 1; minus strand). Cytogenetic location: 2q24.3.
Variant type: single nucleotide variant.
Coding change: c.2422A>T on transcript NM_001165963.4 (MANE Select); coding-DNA position 2422, A replaced by T.
Protein change: p.Thr808Ser; replaces threonine 808 with serine.
Molecular consequence: missense variant. On other transcripts: 5 prime UTR variant (1), non-coding transcript variant (1).
Genome position (GRCh38, 1-based): chr2:166,039,590, T>A on the plus strand (A>T on the coding strand, the complement: SCN1A is on the minus strand). VCF-style: chr2-166039590-T-A. GRCh37 (hg19) VCF-style: chr2-166896100-T-A.
Other names: c.2338A>T, p.Thr780Ser (NM_001165964.3, NM_001353957.2, NM_001353958.2); c.2422A>T, p.Thr808Ser (NM_001202435.3, NM_001353948.2); c.2389A>T, p.Thr797Ser (NM_001353949.2, NM_001353950.2, NM_001353951.2 and 2 more transcripts); c.2386A>T, p.Thr796Ser (NM_001353954.2, NM_001353955.2); c.2335A>T, p.Thr779Ser (NM_001353960.2); c.-21A>T (NM_001353961.2); short protein forms T797S, T808S, T796S, T780S, T779S.
Identifiers: ClinVar variation 68591 (VCV000068591.1), dbSNP rs121918758, ClinGen allele CA285066.
Genomic context (GRCh38, chr2:166,039,590, plus strand): 5'-AATAATAGTAAGGATCCATGGCAATAATTTTCAGAAACATTTCTGCTGTAAAGATCCCAG[T>A]GAAAACCTAAGATCAAAACAAAATTAATCTAATTCCACCAGATAATAACATACATGACAT-3'
Protein context (NP_001159435.1, residues 798-818): NVLTVGNLVF[Thr808Ser]GIFTAEMFLK